The following is an entry in ClinVar:

ClinVar aggregate classification (germline): Pathogenic. Review status: criteria provided, multiple submitters, no conflicts (2 of 4 stars). 2 submissions from 2 submitters: Pathogenic (2). Last evaluated 2025-09-24.

Conditions:
Retinoblastoma (RB1). Also called: RETINOBLASTOMA, SOMATIC. Identifiers: Orphanet 790, MedGen C0035335, MeSH D012175, MONDO:0008380, OMIM 180200, HP:0009919. Disease mechanism: loss of function. Inheritance: Both sporadic and heritable forms are tested..

Submissions (3):

Labcorp Genetics (formerly Invitae), Labcorp
Classification: Pathogenic for Retinoblastoma. Last evaluated: 2025-09-24. Review status: criteria provided, single submitter. Criteria: Invitae Variant Classification Sherloc (09022015). Collection method: clinical testing. Allele origin: germline.
Comment: This sequence change affects a donor splice site in intron 23 of the RB1 gene. It is expected to disrupt RNA splicing. Variants that disrupt the donor or acceptor splice site typically lead to a loss of protein function (PMID: 16199547), and loss-of-function variants in RB1 are known to be pathogenic (PMID: 17096365). This variant is not present in population databases (gnomAD no frequency). Disruption of this splice site has been observed in individuals with retinoblastoma (PMID: 12541220). This variant is also known as c.2627+1G>T. ClinVar contains an entry for this variant (Variation ID: 3237100). Algorithms developed to predict the effect of sequence changes on RNA splicing suggest that this variant may disrupt the consensus splice site. For these reasons, this variant has been classified as Pathogenic.

Genetic Diagnostic Laboratory, University of Pennsylvania School of Medicine
Classification: Pathogenic for Retinoblastoma. Last evaluated: 2024-05-20. Review status: criteria provided, single submitter. Criteria: ACMG Guidelines, 2015. Collection method: clinical testing. Allele origin: germline. Affected: yes. Observed: 1 variant allele.
Comment: Case and Pedigree Information: BILATERAL CASES:1, UNILATERAL CASES:0, TOTAL CASES:1, PEDIGREES:1. ACMG Codes Applied:PVS1, PM2

Dr. Peter K. Rogan Lab, Western University
No classification provided (evidence only). Condition: Glioma susceptibility 1. Review status: no classification provided. Collection method: in vitro. Allele origin: not applicable. Functional consequence: skipped exon, retained intron. Not counted in ClinVar's aggregate classification.

Literature cited by the submitters: PubMed 16199547 (cited by Labcorp Genetics (formerly Invitae), Labcorp); PubMed 17096365 (cited by Labcorp Genetics (formerly Invitae), Labcorp); PubMed 12541220 (cited by Labcorp Genetics (formerly Invitae), Labcorp).

NM_000321.3(RB1):c.2489+1G>T

Gene: RB1 (RB transcriptional corepressor 1; plus strand). Cytogenetic location: 13q14.2.
Variant type: single nucleotide variant.
Coding change: c.2489+1G>T on transcript NM_000321.3 (MANE Select); the canonical splice donor site of the intron after coding-DNA position 2489, G replaced by T.
Molecular consequence: splice donor variant.
Genome position (GRCh38, 1-based): chr13:48,465,369, G>T. VCF-style: chr13-48465369-G-T. GRCh37 (hg19) VCF-style: chr13-49039505-G-T.
Other names: NC_000013.10:g.49039505G>T; c.2489+1G>T (NM_001407165.1).
Identifiers: ClinVar variation 3237100 (VCV003237100.3), dbSNP rs764754259.